The following is an entry in ClinVar:

ClinVar aggregate classification (germline): Likely benign. Review status: reviewed by expert panel (3 of 4 stars). 3 submissions from 3 submitters: Likely benign (1). 2 of the submissions do not count toward it. Last evaluated 2023-07-25.

Conditions:
Hereditary antithrombin deficiency (AT3D). Also called: Reduced antithrombin III activity; Antithrombin III deficiency; Thrombophilia due to antithrombin III deficiency; Antithrombin deficiency. Identifiers: Orphanet 82, MedGen C0272375, MONDO:0013144, OMIM 613118, HP:0001976.

Allele frequency attached by ClinVar (database versions not stated): gnomAD 0.00001 and 0.00003; TOPMed 0.00002; gnomAD exomes 0.00009; ExAC 0.00011; 1000 Genomes Project 30x 0.00016; 1000 Genomes Project 0.00020.

Submissions (3):

Clingen Thrombosis Variant Curation Expert Panel, ClinGen
Classification: Likely benign for Hereditary antithrombin deficiency. Last evaluated: 2023-07-25. Review status: reviewed by expert panel. Criteria: ClinGen ACMG Specifications SERPINC1 V1.0.0. Collection method: curation. Allele origin: germline. Inheritance: Autosomal dominant inheritance.
Comment: The NM_000488.4(SERPINC1):c.408+4C>T variant is an intronic variant reported at a POPMAX FAF of 0.0003794 in the South Asian population (18/30616 alleles) meeting BS1 criteria. SpliceAI and VarSEAK predict no splicing impact for this variant; however the nucleotide may be conserved based on PhyloP and PhastCons scores (BP4). In summary, this variant meets criteria to be classified as likely benign. ACMG/AMP criteria applied, as specified by the Thrombosis Variant Curation Expert Panel for AT Deficiency for SERPINC1: BS1, BP4.

Fulgent Genetics
Classification: Uncertain significance for Hereditary antithrombin deficiency. Last evaluated: 2021-08-23. Review status: criteria provided, single submitter. Criteria: ACMG Guidelines, 2015. Collection method: clinical testing. Allele origin: unknown. Not counted in ClinVar's aggregate classification.

Illumina Laboratory Services, Illumina
Classification: Uncertain significance for Hereditary antithrombin deficiency. Last evaluated: 2017-04-27. Review status: criteria provided, single submitter. Criteria: ICSL Variant Classification Criteria 13 December 2019. Collection method: clinical testing. Allele origin: germline. Not counted in ClinVar's aggregate classification.

NM_000488.4(SERPINC1):c.408+4C>T

Gene: SERPINC1 (serpin family C member 1; minus strand). Cytogenetic location: 1q25.1.
Variant type: single nucleotide variant.
Coding change: c.408+4C>T on transcript NM_000488.4 (MANE Select); 4 bases into the intron after coding-DNA position 408, C replaced by T.
Molecular consequence: intron variant.
Genome position (GRCh38, 1-based): chr1:173,914,549, G>A on the plus strand (C>T on the coding strand, the complement: SERPINC1 is on the minus strand). VCF-style: chr1-173914549-G-A. GRCh37 (hg19) VCF-style: chr1-173883687-G-A.
Other names: c.489+4C>T (NM_001386303.1); c.408+4C>T (NM_001386306.1, NM_001386304.1, NM_001386305.1 and 1 more transcripts); c.264+4C>T (NM_001365052.2).
Identifiers: ClinVar variation 876601 (VCV000876601.6), dbSNP rs201551398, ClinGen allele CA1251431.